The following is an entry in ClinVar:

NM_000275.3(OCA2):c.647-3G>A

Gene: OCA2 (OCA2 melanosomal transmembrane protein; minus strand). Cytogenetic location: 15q13.1.
Variant type: single nucleotide variant.
Coding change: c.647-3G>A on transcript NM_000275.3 (MANE Select); 3 bases into the intron before coding-DNA position 647, G replaced by A.
Molecular consequence: intron variant.
Genome position (GRCh38, 1-based): chr15:28,018,560, C>T on the plus strand (G>A on the coding strand, the complement: OCA2 is on the minus strand). VCF-style: chr15-28018560-C-T. GRCh37 (hg19) VCF-style: chr15-28263706-C-T.
Other names: c.647-3G>A (NM_000275.2, NM_001300984.2).
Identifiers: ClinVar variation 1422832 (VCV001422832.6), dbSNP rs572955525, ClinGen allele CA7439391.

ClinVar aggregate classification (germline): Conflicting classifications of pathogenicity. Review status: criteria provided, conflicting classifications (1 of 4 stars). 3 submissions from 3 submitters: Uncertain significance (1); Likely benign (1). 1 of the submissions does not count toward it. Last evaluated 2022-10-26.

Conditions:
OCA2-related disorder. Also called: OCA2-related condition.

Allele frequency attached by ClinVar (database versions not stated): ExAC 0.00023; gnomAD exomes 0.00023; 1000 Genomes Project 30x 0.00031; 1000 Genomes Project 0.00040.
gnomAD v4.1: 69 of 1,611,916 alleles (0.0043%); highest among the groups gnomAD compares: Admixed American, 0.097%; 1 homozygote.

Submissions (3):

Labcorp Genetics (formerly Invitae), Labcorp
Classification: Uncertain significance. Last evaluated: 2022-10-26. Review status: criteria provided, single submitter. Criteria: Invitae Variant Classification Sherloc (09022015). Collection method: clinical testing. Allele origin: germline.
Comment: This sequence change falls in intron 6 of the OCA2 gene. It does not directly change the encoded amino acid sequence of the OCA2 protein. It affects a nucleotide within the consensus splice site. This variant is present in population databases (rs572955525, gnomAD 0.1%). This variant has not been reported in the literature in individuals affected with OCA2-related conditions. ClinVar contains an entry for this variant (Variation ID: 1422832). Variants that disrupt the consensus splice site are a relatively common cause of aberrant splicing (PMID: 17576681, 9536098). Algorithms developed to predict the effect of sequence changes on RNA splicing suggest that this variant is not likely to affect RNA splicing. In summary, the available evidence is currently insufficient to determine the role of this variant in disease. Therefore, it has been classified as a Variant of Uncertain Significance.

Blueprint Genetics
Classification: Likely benign. Last evaluated: 2022-06-13. Review status: criteria provided, single submitter. Criteria: ACMG Guidelines, 2015. Collection method: clinical testing. Allele origin: germline.

PreventionGenetics, part of Exact Sciences
Classification: Likely benign for OCA2-related condition. Last evaluated: 2019-09-05. Review status: no assertion criteria provided. Collection method: clinical testing. Allele origin: germline. Not counted in ClinVar's aggregate classification.
Comment: This variant is classified as likely benign based on ACMG/AMP sequence variant interpretation guidelines (Richards et al. 2015 PMID: 25741868, with internal and published modifications).

Literature cited by the submitters: PubMed 17576681 (cited by Labcorp Genetics (formerly Invitae), Labcorp); PubMed 9536098 (cited by Labcorp Genetics (formerly Invitae), Labcorp).